The following is an entry in ClinVar:

ClinVar aggregate classification (germline): Likely benign (1 of 4 stars; one submission).

Conditions:
Arrhythmogenic right ventricular dysplasia 10. Also called: Arrhythmogenic Right Ventricular Dysplasia/Cardiomyopathy10; ARRHYTHMOGENIC RIGHT VENTRICULAR DYSPLASIA, FAMILIAL, 10; Arrhythmogenic right ventricular dysplasia/cardiomyopathy, type 10. Identifiers: MedGen C1857777, MONDO:0012434, OMIM 610193.

Allele frequency attached by ClinVar (database versions not stated): gnomAD 0.00002 and 0.00065; 1000 Genomes Project 30x 0.00453; 1000 Genomes Project 0.00459; TOPMed 0.00011.

Submission:

Illumina Laboratory Services, Illumina
Classification: Likely benign for Arrhythmogenic right ventricular dysplasia 10. Last evaluated: 2018-01-13. Review status: criteria provided, single submitter. Criteria: ICSL Variant Classification Criteria 13 December 2019. Collection method: clinical testing. Allele origin: germline.
Comment: This variant was observed in the ICSL laboratory as part of a predisposition screen in an ostensibly healthy population. It had not been previously curated by ICSL or reported in the Human Gene Mutation Database (HGMD: prior to June 1st, 2018), and was therefore a candidate for classification through an automated scoring system. Utilizing variant allele frequency, disease prevalence and penetrance estimates, and inheritance mode, an automated score was calculated to assess if this variant is too frequent to cause the disease. Based on the score and internal cut-off values, a variant classified as likely benign is not then subjected to further curation. The score for this variant resulted in a classification of likely benign for this disease.

NM_001943.5(DSG2):c.*1471T>C

Genes: DSG2 (desmoglein 2; plus strand), DSG2-AS1 (DSG2 antisense RNA 1; minus strand). Cytogenetic location: 18q12.1.
Variant type: single nucleotide variant.
Coding change: c.*1471T>C on transcript NM_001943.5 (MANE Select); 1471 bases downstream of the stop codon, T replaced by C.
Molecular consequence: 3 prime UTR variant.
Genome position (GRCh38, 1-based): chr18:31,548,214, T>C. VCF-style: chr18-31548214-T-C. GRCh37 (hg19) VCF-style: chr18-29128177-T-C.
Other names: c.*1471T>C (LRG_397t1).
Identifiers: ClinVar variation 326531 (VCV000326531.5), dbSNP rs574977992, ClinGen allele CA10650772.